The following is an entry in ClinVar:

ClinVar aggregate classification (germline): Benign/Likely benign. Review status: criteria provided, multiple submitters, no conflicts (2 of 4 stars). 6 submissions from 6 submitters: Benign (4); Likely benign (1). 1 of the submissions does not count toward it. Last evaluated 2026-02-02.

Conditions:
Maple syrup urine disease type 1A (MSUD1A). Also called: MSUD type 1A. Identifiers: MedGen C1855369, MONDO:0023691, OMIM 248600.
Maple syrup urine disease (MSUD). Identifiers: Orphanet 511, MedGen C0024776, MeSH D008375, MONDO:0009563. Disease mechanism: loss of function.

Submissions (6):

Labcorp Genetics (formerly Invitae), Labcorp
Classification: Benign for Maple syrup urine disease. Last evaluated: 2026-02-02. Review status: criteria provided, single submitter. Criteria: Invitae Variant Classification Sherloc (09022015). Collection method: clinical testing. Allele origin: germline.

ARUP Laboratories, Molecular Genetics and Genomics, ARUP Laboratories
Classification: Benign for Maple syrup urine disease type 1A. Last evaluated: 2023-09-21. Review status: criteria provided, single submitter. Criteria: ARUP Molecular Germline Variant Investigation Process 2024. Collection method: clinical testing. Allele origin: germline.

Genome-Nilou Lab
Classification: Benign for Maple syrup urine disease type 1A. Last evaluated: 2023-04-11. Review status: criteria provided, single submitter. Criteria: ACMG Guidelines, 2015. Collection method: clinical testing. Allele origin: germline. Affected: no.

GeneDx
Classification: Benign. Last evaluated: 2016-05-12. Review status: criteria provided, single submitter. Criteria: GeneDx Variant Classification (06012015). Collection method: clinical testing. Allele origin: germline. Affected: yes.
Comment: This variant is considered likely benign or benign based on one or more of the following criteria: it is a conservative change, it occurs at a poorly conserved position in the protein, it is predicted to be benign by multiple in silico algorithms, and/or has population frequency not consistent with disease.

PreventionGenetics, part of Exact Sciences
Classification: Likely benign. Review status: criteria provided, single submitter. Criteria: ACMG Guidelines, 2015. Collection method: clinical testing. Allele origin: germline.

Eurofins Ntd Llc (ga)
Classification: Benign for AllHighlyPenetrant. Last evaluated: 2013-10-30. Review status: no assertion criteria provided. Collection method: clinical testing. Allele origin: germline. Observed: 1 variant allele, 1 heterozygote. Not counted in ClinVar's aggregate classification.

Literature cited by the submitters: PubMed 23757202 (cited by Eurofins Ntd Llc (ga)).

NM_001918.5(DBT):c.251+19dup

Gene: DBT (dihydrolipoamide branched chain transacylase E2; minus strand). Cytogenetic location: 1p21.2.
Variant type: Duplication.
Coding change: c.251+19dup on transcript NM_001918.5 (MANE Select); 19 bases into the intron after coding-DNA position 251, one base duplicated (A; older notation c.251+19dupA).
Molecular consequence: intron variant.
Genome position (GRCh38, 1-based): chr1:100,235,417, T duplicated on the plus strand (A on the coding strand, the reverse complement: DBT is on the minus strand); the first of 6 consecutive T bases (chr1:100,235,417-100,235,422); duplicating any one gives the same sequence. VCF-style (leftmost placement, unchanged base first): chr1-100235416-C-CT. GRCh37 (hg19) VCF-style: chr1-100700972-C-CT.
Other names: c.251+19dupA (NM_001918.2, NM_001918.3).
Identifiers: ClinVar variation 93998 (VCV000093998.15), dbSNP rs201469612, ClinGen allele CA147530.
Genomic context (GRCh38, chr1:100,235,416, plus strand): 5'-AAATAAATAAAAATAAAAATAGTTATTTTTACTCAAATTATTTTTAAATTTACTTAAGAG[C>CT]TTTTTTCAGATTCACTTACCATTCTTTAACAGTTACTTCTCTAATCCCTTCTCCAATGTC-3'